The following is an entry in ClinVar:

ClinVar aggregate classification (germline): Pathogenic. Review status: criteria provided, single submitter (1 of 4 stars). 2 submissions from 2 submitters: Pathogenic (1). 1 of the submissions does not count toward it. Last evaluated 2023-02-14.

Conditions:
Complement component 6 deficiency (C6D). Also called: C6 DEFICIENCY. Identifiers: MedGen C2676232, MONDO:0012908, OMIM 612446.

Submissions (2):

Labcorp Genetics (formerly Invitae), Labcorp
Classification: Pathogenic. Last evaluated: 2023-02-14. Review status: criteria provided, single submitter. Criteria: Invitae Variant Classification Sherloc (09022015). Collection method: clinical testing. Allele origin: germline.
Comment: For these reasons, this variant has been classified as Pathogenic. ClinVar contains an entry for this variant (Variation ID: 12115). This premature translational stop signal has been observed in individual(s) with C6 deficiency (PMID: 9856498). This variant is not present in population databases (gnomAD no frequency). This sequence change creates a premature translational stop signal (p.Ser277Alafs*43) in the C6 gene. It is expected to result in an absent or disrupted protein product. Loss-of-function variants in C6 are known to be pathogenic (PMID: 17257682).

OMIM
Classification: Pathogenic for C6 DEFICIENCY. Last evaluated: 2022-04-30. Review status: no assertion criteria provided. Collection method: literature only. Allele origin: germline. Not counted in ClinVar's aggregate classification.

Literature cited by the submitters: PubMed 9856498 (cited by Labcorp Genetics (formerly Invitae), Labcorp); PubMed 17257682 (cited by Labcorp Genetics (formerly Invitae), Labcorp); PubMed 8512929 (cited by OMIM).

NM_000065.5(C6):c.828del (p.Ser277fs)

Gene: C6 (complement C6; minus strand). Cytogenetic location: 5p13.1.
Variant type: Deletion.
Coding change: c.828del on transcript NM_000065.5 (MANE Select); coding-DNA position 828, one base deleted (G; older notation c.828delG).
Protein change: p.Ser277fs; shifts the reading frame from serine 277.
Molecular consequence: frameshift variant.
Genome position (GRCh38, 1-based): chr5:41,181,458, C deleted on the plus strand (G on the coding strand, the reverse complement: C6 is on the minus strand); the first of 7 consecutive C bases (chr5:41,181,458-41,181,464); deleting any one gives the same sequence. VCF-style (leftmost placement, unchanged base first): chr5-41181457-TC-T. GRCh37 (hg19) VCF-style: chr5-41181559-TC-T.
Other names: C6, 1-BP DEL, 879G; c.828del, p.Ser277fs (NM_001115131.4); short protein forms S277fs.
Identifiers: ClinVar variation 12115 (VCV000012115.7), dbSNP rs372345940, ClinGen allele CA117780249.
Genomic context (GRCh38, chr5:41,181,457, plus strand): 5'-AATTATGGTTGATATTTTCACTTCTCTTTGAGGAATAAAAAATTGGTACACTGAAAGAGC[TC>T]CCCCCCTGACTTGAGAATGAGCCTTGTTGATTTTCATTGTGTCCAAGAGAAGTTAAATCC-3'